The following is an entry in ClinVar:

NM_001184.4(ATR):c.1801T>A (p.Ser601Thr)

Gene: ATR (ATR checkpoint kinase; minus strand). Cytogenetic location: 3q23.
Variant type: single nucleotide variant.
Coding change: c.1801T>A on transcript NM_001184.4 (MANE Select); coding-DNA position 1801, T replaced by A.
Protein change: p.Ser601Thr; replaces serine 601 with threonine.
Molecular consequence: missense variant.
Genome position (GRCh38, 1-based): chr3:142,558,708, A>T on the plus strand (T>A on the coding strand, the complement: ATR is on the minus strand). VCF-style: chr3-142558708-A-T. GRCh37 (hg19) VCF-style: chr3-142277550-A-T.
Other names: c.1609T>A, p.Ser537Thr (NM_001354579.2); short protein forms S601T, S537T.
Identifiers: ClinVar variation 1780418 (VCV001780418.2), dbSNP rs2473407878, ClinGen allele CA354821140.

ClinVar aggregate classification (germline): Uncertain significance (1 of 4 stars; one submission).

Conditions:
Inborn genetic diseases. Identifiers: MedGen C0950123, MeSH D030342.

Submission:

Ambry Genetics
Classification: Uncertain significance for Inborn genetic diseases. Last evaluated: 2022-05-27. Review status: criteria provided, single submitter. Criteria: Ambry Variant Classification Scheme 2023. Collection method: clinical testing. Allele origin: germline.
Comment: The p.S601T variant (also known as c.1801T>A), located in coding exon 8 of the ATR gene, results from a T to A substitution at nucleotide position 1801. The serine at codon 601 is replaced by threonine, an amino acid with similar properties. This amino acid position is conserved. In addition, this alteration is predicted to be tolerated by in silico analysis. Since supporting evidence is limited at this time, the clinical significance of this alteration remains unclear.